The following is an entry in ClinVar:

ClinVar aggregate classification (germline): Uncertain significance (1 of 4 stars; one submission).

Submission:

Labcorp Genetics (formerly Invitae), Labcorp
Classification: Uncertain significance. Last evaluated: 2020-12-11. Review status: criteria provided, single submitter. Criteria: Invitae Variant Classification Sherloc (09022015). Collection method: clinical testing. Allele origin: germline.
Comment: In summary, the available evidence is currently insufficient to determine the role of this variant in disease. Therefore, it has been classified as a Variant of Uncertain Significance. Nucleotide substitutions within the consensus splice site are a relatively common cause of aberrant splicing (PMID: 17576681, 9536098). Algorithms developed to predict the effect of sequence changes on RNA splicing suggest that this variant may disrupt the consensus splice site, but this prediction has not been confirmed by published transcriptional studies. This variant has not been reported in the literature in individuals with POLE-related conditions. This variant is not present in population databases (ExAC no frequency). This sequence change falls in intron 18 of the POLE gene. It does not directly change the encoded amino acid sequence of the POLE protein. It affects a nucleotide within the consensus splice site of the intron.

Literature cited by the submitters: PubMed 17576681; PubMed 9536098.

NM_006231.4(POLE):c.2026+5G>T

Gene: POLE (DNA polymerase epsilon, catalytic subunit; minus strand). Cytogenetic location: 12q24.33.
Variant type: single nucleotide variant.
Coding change: c.2026+5G>T on transcript NM_006231.4 (MANE Select); 5 bases into the intron after coding-DNA position 2026, G replaced by T.
Molecular consequence: intron variant.
Genome position (GRCh38, 1-based): chr12:132,668,630, C>A on the plus strand (G>T on the coding strand, the complement: POLE is on the minus strand). VCF-style: chr12-132668630-C-A. GRCh37 (hg19) VCF-style: chr12-133245216-C-A.
Identifiers: ClinVar variation 1506758 (VCV001506758.6), dbSNP rs2135977623, ClinGen allele CA2573148203.